The following is an entry in ClinVar:

NM_001035.3(RYR2):c.5558A>T (p.Glu1853Val)

Gene: RYR2 (ryanodine receptor 2; plus strand). Cytogenetic location: 1q43.
Variant type: single nucleotide variant.
Coding change: c.5558A>T on transcript NM_001035.3 (MANE Select); coding-DNA position 5558, A replaced by T.
Protein change: p.Glu1853Val; replaces glutamic acid 1853 with valine.
Molecular consequence: missense variant.
Genome position (GRCh38, 1-based): chr1:237,614,686, A>T. VCF-style: chr1-237614686-A-T. GRCh37 (hg19) VCF-style: chr1-237777986-A-T.
Other names: short protein forms E1853V.
Identifiers: ClinVar variation 4863717 (VCV004863717.1).

ClinVar aggregate classification (germline): Uncertain significance (1 of 4 stars; one submission).

Conditions:
Cardiovascular phenotype. Identifiers: MedGen CN230736.

gnomAD v4.1: 1 of 1,613,884 alleles (0.000062%); highest among the groups gnomAD compares: Non-Finnish European, 0.000085%; no homozygotes.

Submission:

Ambry Genetics
Classification: Uncertain significance for Cardiovascular phenotype. Last evaluated: 2026-05-14. Review status: criteria provided, single submitter. Criteria: Ambry Variant Classification Scheme 2023. Collection method: clinical testing. Allele origin: germline.
Comment: The p.E1853V variant (also known as c.5558A>T), located in coding exon 37 of the RYR2 gene, results from an A to T substitution at nucleotide position 5558. The glutamic acid at codon 1853 is replaced by valine, an amino acid with dissimilar properties. This amino acid position is conserved. In addition, this alteration is predicted to be tolerated by in silico analysis. Based on the available evidence, the clinical significance of this variant remains unclear.